The following is an entry in ClinVar:

ClinVar aggregate classification (germline): Uncertain significance (1 of 4 stars; one submission).

Allele frequency attached by ClinVar (database versions not stated): ExAC 0.00001; gnomAD exomes 0.00001; TOPMed 0.00005; gnomAD 0.00006; ESP Exome Variant Server 0.00016.
gnomAD v4.1: 17 of 1,611,140 alleles (0.0011%); highest among the groups gnomAD compares: African/African-American, 0.012%; no homozygotes.

Submission:

Labcorp Genetics (formerly Invitae), Labcorp
Classification: Uncertain significance. Last evaluated: 2022-09-20. Review status: criteria provided, single submitter. Criteria: Invitae Variant Classification Sherloc (09022015). Collection method: clinical testing. Allele origin: germline.
Comment: This sequence change replaces valine, which is neutral and non-polar, with isoleucine, which is neutral and non-polar, at codon 139 of the AP3D1 protein (p.Val139Ile). In summary, the available evidence is currently insufficient to determine the role of this variant in disease. Therefore, it has been classified as a Variant of Uncertain Significance. This variant is present in population databases (rs373321280, gnomAD 0.02%). This variant has not been reported in the literature in individuals affected with AP3D1-related conditions. Algorithms developed to predict the effect of missense changes on protein structure and function (SIFT, PolyPhen-2, Align-GVGD) all suggest that this variant is likely to be tolerated.

NM_001261826.3(AP3D1):c.415G>A (p.Val139Ile)

Gene: AP3D1 (adaptor related protein complex 3 subunit delta 1; minus strand). Cytogenetic location: 19p13.3.
Variant type: single nucleotide variant.
Coding change: c.415G>A on transcript NM_001261826.3 (MANE Select); coding-DNA position 415, G replaced by A.
Protein change: p.Val139Ile; replaces valine 139 with isoleucine.
Molecular consequence: missense variant.
Genome position (GRCh38, 1-based): chr19:2,132,518, C>T on the plus strand (G>A on the coding strand, the complement: AP3D1 is on the minus strand). VCF-style: chr19-2132518-C-T. GRCh37 (hg19) VCF-style: chr19-2132517-C-T.
Other names: c.415G>A, p.Val139Ile (NM_001374799.1, NM_003938.8); short protein forms V139I.
Identifiers: ClinVar variation 1911670 (VCV001911670.5), dbSNP rs373321280, ClinGen allele CA9059729.